The following is an entry in ClinVar:

NM_001606.5(ABCA2):c.1728C>T (p.Ser576=)

Gene: ABCA2 (ATP binding cassette subfamily A member 2; minus strand). Cytogenetic location: 9q34.3.
Variant type: single nucleotide variant.
Coding change: c.1728C>T on transcript NM_001606.5 (MANE Select); coding-DNA position 1728, C replaced by T.
Protein change: p.Ser576=; no amino-acid change (serine 576 retained).
Molecular consequence: synonymous variant.
Genome position (GRCh38, 1-based): chr9:137,018,810, G>A on the plus strand (C>T on the coding strand, the complement: ABCA2 is on the minus strand). VCF-style: chr9-137018810-G-A. GRCh37 (hg19) VCF-style: chr9-139913262-G-A.
Other names: c.1725C>T, p.Ser575= (NM_001411042.1); c.1818C>T, p.Ser606= (NM_212533.3).
Identifiers: ClinVar variation 2659787 (VCV002659787.24), dbSNP rs756198524, ClinGen allele CA5355346.

ClinVar aggregate classification (germline): Likely benign (1 of 4 stars; one submission).

Allele frequency attached by ClinVar (database versions not stated): gnomAD 0.00001; TOPMed 0.00001; ExAC 0.00002.
gnomAD v4.1: 14 of 1,612,572 alleles (0.00087%); highest among the groups gnomAD compares: South Asian, 0.0055%; no homozygotes.

Submission:

CeGaT Center for Human Genetics Tuebingen
Classification: Likely benign. Last evaluated: 2023-05-01. Review status: criteria provided, single submitter. Criteria: CeGaT Center For Human Genetics Tuebingen Variant Classification Criteria Version 2. Collection method: clinical testing. Allele origin: germline. Affected: yes. Observed: 1 variant allele.
Comment: ABCA2: BP4, BP7